The following is an entry in ClinVar:

NM_001134407.3(GRIN2A):c.1458C>A (p.Gly486=)

Gene: GRIN2A (glutamate ionotropic receptor NMDA type subunit 2A; minus strand). Cytogenetic location: 16p13.2.
Variant type: single nucleotide variant.
Coding change: c.1458C>A on transcript NM_001134407.3 (MANE Select); coding-DNA position 1458, C replaced by A.
Protein change: p.Gly486=; no amino-acid change (glycine 486 retained).
Molecular consequence: synonymous variant.
Genome position (GRCh38, 1-based): chr16:9,840,975, G>T on the plus strand (C>A on the coding strand, the complement: GRIN2A is on the minus strand). VCF-style: chr16-9840975-G-T. GRCh37 (hg19) VCF-style: chr16-9934832-G-T.
Other names: c.1458C>A, p.Gly486= (NM_000833.5, NM_001134408.2).
Identifiers: ClinVar variation 377937 (VCV000377937.14), dbSNP rs144572467, ClinGen allele CA7896721.

ClinVar aggregate classification (germline): Likely benign. Review status: criteria provided, multiple submitters, no conflicts (2 of 4 stars). 4 submissions from 4 submitters: Likely benign (4). Last evaluated 2025-10-24.

Conditions:
Inborn genetic diseases. Identifiers: MedGen C0950123, MeSH D030342.
Landau-Kleffner syndrome (FESD). Also called: EPILEPSY, FOCAL, WITH SPEECH DISORDER AND WITH OR WITHOUT MENTAL RETARDATION; APHASIA, ACQUIRED, WITH EPILEPSY. Identifiers: Orphanet 1945, Orphanet 725, Orphanet 98818, MedGen C0282512, MONDO:0009509, OMIM 245570.
GRIN2A-related complex neurodevelopmental disorder. Also called: GRIN2A-related disorder; GRIN2A-related condition. Identifiers: MedGen CN379781, MONDO:1060139.

Allele frequency attached by ClinVar (database versions not stated): gnomAD exomes 0.00006 and 0.00001; gnomAD 0.00019 and 0.00018; ESP Exome Variant Server 0.00054; ExAC 0.00008; TOPMed 0.00024.
gnomAD v4.1: 50 of 1,613,664 alleles (0.0031%); highest among the groups gnomAD compares: African/African-American, 0.063%; no homozygotes.

Submissions (4):

Labcorp Genetics (formerly Invitae), Labcorp
Classification: Likely benign for Landau-Kleffner syndrome. Last evaluated: 2025-10-24. Review status: criteria provided, single submitter. Criteria: Invitae Variant Classification Sherloc (09022015). Collection method: clinical testing. Allele origin: germline.

PreventionGenetics, part of Exact Sciences
Classification: Likely benign for GRIN2A-related condition. Last evaluated: 2024-10-28. Review status: criteria provided, single submitter. Criteria: ACMG Guidelines, 2015. Collection method: clinical testing. Allele origin: germline.
Comment: This variant is classified as likely benign based on ACMG/AMP sequence variant interpretation guidelines (Richards et al. 2015 PMID: 25741868, with internal and published modifications).

Ambry Genetics
Classification: Likely benign for Inborn genetic diseases. Last evaluated: 2020-03-19. Review status: criteria provided, single submitter. Criteria: Ambry Variant Classification Scheme 2023. Collection method: clinical testing. Allele origin: germline.

GeneDx
Classification: Likely benign. Last evaluated: 2016-07-12. Review status: criteria provided, single submitter. Criteria: GeneDx Variant Classification (06012015). Collection method: clinical testing. Allele origin: germline. Affected: yes.
Comment: This variant is considered likely benign or benign based on one or more of the following criteria: it is a conservative change, it occurs at a poorly conserved position in the protein, it is predicted to be benign by multiple in silico algorithms, and/or has population frequency not consistent with disease.